The following is an entry in ClinVar:

NM_014915.3(ANKRD26):c.4930A>G (p.Ser1644Gly)

Gene: ANKRD26 (ankyrin repeat domain 26; minus strand). Cytogenetic location: 10p12.1.
Variant type: single nucleotide variant.
Coding change: c.4930A>G on transcript NM_014915.3 (MANE Select); coding-DNA position 4930, A replaced by G.
Protein change: p.Ser1644Gly; replaces serine 1644 with glycine.
Molecular consequence: missense variant.
Genome position (GRCh38, 1-based): chr10:27,012,905, T>C on the plus strand (A>G on the coding strand, the complement: ANKRD26 is on the minus strand). VCF-style: chr10-27012905-T-C. GRCh37 (hg19) VCF-style: chr10-27301834-T-C.
Other names: c.4927A>G, p.Ser1643Gly (NM_001256053.2); short protein forms S1643G, S1644G.
Identifiers: ClinVar variation 4579120 (VCV004579120.1).

ClinVar aggregate classification (germline): Uncertain significance (1 of 4 stars; one submission).

Conditions:
Inborn genetic diseases. Identifiers: MedGen C0950123, MeSH D030342.

Submission:

Ambry Genetics
Classification: Uncertain significance for Inborn genetic diseases. Last evaluated: 2025-10-05. Review status: criteria provided, single submitter. Criteria: Ambry Variant Classification Scheme 2023. Collection method: clinical testing. Allele origin: germline.
Comment: The p.S1644G variant (also known as c.4930A>G), located in coding exon 32 of the ANKRD26 gene, results from an A to G substitution at nucleotide position 4930. The serine at codon 1644 is replaced by glycine, an amino acid with similar properties. This amino acid position is conserved. In addition, this alteration is predicted to be tolerated by in silico analysis. Based on the available evidence, the clinical significance of this variant remains unclear.